The following is an entry in ClinVar:

ClinVar aggregate classification (germline): Uncertain significance. Review status: criteria provided, multiple submitters, no conflicts (2 of 4 stars). 2 submissions from 2 submitters: Uncertain significance (2). Last evaluated 2026-01-14.

Conditions:
Hereditary cancer-predisposing syndrome. Also called: Tumor predisposition; Hereditary Cancer Syndrome; Neoplastic Syndromes, Hereditary; Hereditary neoplastic syndrome. Identifiers: Orphanet 140162, MedGen C0027672, MeSH D009386, MONDO:0015356.
Tuberous sclerosis 2 (TSC2). Identifiers: Orphanet 805, MedGen C1860707, MONDO:0013199, OMIM 613254.

Submissions (2):

Labcorp Genetics (formerly Invitae), Labcorp
Classification: Uncertain significance for Tuberous sclerosis 2. Last evaluated: 2026-01-14. Review status: criteria provided, single submitter. Criteria: Invitae Variant Classification Sherloc (09022015). Collection method: clinical testing. Allele origin: germline.
Comment: This sequence change replaces valine, which is neutral and non-polar, with isoleucine, which is neutral and non-polar, at codon 226 of the TSC2 protein (p.Val226Ile). This variant is not present in population databases (gnomAD no frequency). This variant has not been reported in the literature in individuals affected with TSC2-related conditions. Invitae Evidence Modeling of protein sequence and biophysical properties (such as structural, functional, and spatial information, amino acid conservation, physicochemical variation, residue mobility, and thermodynamic stability) indicates that this missense variant is not expected to disrupt TSC2 protein function with a negative predictive value of 95%. In summary, the available evidence is currently insufficient to determine the role of this variant in disease. Therefore, it has been classified as a Variant of Uncertain Significance.

Ambry Genetics
Classification: Uncertain significance for Hereditary cancer-predisposing syndrome. Last evaluated: 2025-11-05. Review status: criteria provided, single submitter. Criteria: Ambry Variant Classification Scheme 2023. Collection method: clinical testing. Allele origin: germline.
Comment: The p.V226I variant (also known as c.676G>A), located in coding exon 7 of the TSC2 gene, results from a G to A substitution at nucleotide position 676. The valine at codon 226 is replaced by isoleucine, an amino acid with highly similar properties. This amino acid position is conserved. In addition, the in silico prediction for this alteration is inconclusive. Based on the available evidence, the clinical significance of this variant remains unclear.

NM_000548.5(TSC2):c.676G>A (p.Val226Ile)

Gene: TSC2 (TSC complex subunit 2; plus strand). Cytogenetic location: 16p13.3.
Variant type: single nucleotide variant.
Coding change: c.676G>A on transcript NM_000548.5 (MANE Select); coding-DNA position 676, G replaced by A.
Protein change: p.Val226Ile; replaces valine 226 with isoleucine.
Molecular consequence: missense variant. On other transcripts: 5 prime UTR variant (10), non-coding transcript variant (5).
Genome position (GRCh38, 1-based): chr16:2,056,671, G>A. VCF-style: chr16-2056671-G-A. GRCh37 (hg19) VCF-style: chr16-2106672-G-A.
Other names: c.529G>A, p.Val177Ile (NM_001406676.1, NM_001406679.1, NM_001318829.2 and 1 more transcripts); c.619G>A, p.Val207Ile (NM_001406677.1); c.565G>A, p.Val189Ile (NM_001406678.1, NM_001318827.2, NM_001406670.1); c.76G>A, p.Val26Ile (NM_001406680.1, NM_001406682.1, NM_001406683.1 and 6 more transcripts); c.214G>A, p.Val72Ile (NM_001406681.1); c.676G>A, p.Val226Ile (NM_001077183.3, NM_001114382.3, NM_001363528.2 and 6 more transcripts); c.709G>A, p.Val237Ile (NM_001318832.2); c.766G>A, p.Val256Ile (NM_001406667.1, NM_001406668.1); and 4 more; short protein forms V222I, V72I, V226I, V26I, V237I, V256I, V177I, V189I.
Identifiers: ClinVar variation 4557227 (VCV004557227.2).